The following is an entry in ClinVar:

ClinVar aggregate classification (germline): Pathogenic. Review status: criteria provided, multiple submitters, no conflicts (2 of 4 stars). 10 submissions from 10 submitters: Pathogenic (9). 1 of the submissions does not count toward it. Last evaluated 2025-12-08.

Conditions:
Cardiovascular phenotype. Identifiers: MedGen CN230736.
Marfan syndrome (MFS). Also called: FBN1-Related Marfan Syndrome; Marfan syndrome, classic; MARFAN SYNDROME, TYPE I; Marfan syndrome type 1; Marfan's syndrome. Identifiers: Orphanet 284963, Orphanet 558, MedGen C0024796, MONDO:0007947, OMIM 154700.
Familial thoracic aortic aneurysm and aortic dissection (TAAD). Also called: Thoracic aortic aneurysms and dissections. Identifiers: Orphanet 91387, MedGen C4707243, MONDO:0019625.
FBN1-related disorder. Also called: FBN1-related disorders.

Submissions (10):

Labcorp Genetics (formerly Invitae), Labcorp
Classification: Pathogenic for Marfan syndrome; Familial thoracic aortic aneurysm and aortic dissection. Last evaluated: 2025-12-08. Review status: criteria provided, single submitter. Criteria: Invitae Variant Classification Sherloc (09022015). Collection method: clinical testing. Allele origin: germline.
Comment: This sequence change affects a donor splice site in intron 3 of the FBN1 gene. It is expected to disrupt RNA splicing. Variants that disrupt the donor or acceptor splice site typically lead to a loss of protein function (PMID: 16199547), and loss-of-function variants in FBN1 are known to be pathogenic (PMID: 17657824, 19293843). This variant is not present in population databases (gnomAD no frequency). Disruption of this splice site has been observed in individual(s) with Marfan syndrome (PMID: 8406497, 10647894, 10721679, 11391655, 12068374, 17657824, 19161152, 22772377). In at least one individual the variant was observed to be de novo. It has also been observed to segregate with disease in related individuals. ClinVar contains an entry for this variant (Variation ID: 42307). Algorithms developed to predict the effect of sequence changes on RNA splicing suggest that this variant may disrupt the consensus splice site. For these reasons, this variant has been classified as Pathogenic.

Blueprint Genetics
Classification: Pathogenic for FBN1-related disorders. Last evaluated: 2023-12-12. Review status: criteria provided, single submitter. Criteria: ACMG Guidelines, 2015. Collection method: clinical testing. Allele origin: germline. Affected: yes. Observed: 1 variant allele.

Ambry Genetics
Classification: Pathogenic for Familial thoracic aortic aneurysm and aortic dissection. Last evaluated: 2023-11-17. Review status: criteria provided, single submitter. Criteria: Ambry Variant Classification Scheme 2023. Collection method: clinical testing. Allele origin: germline.
Comment: The c.247+1G>A intronic pathogenic mutation results from a G to A substitution one nucleotide after coding exon 2 of the FBN1 gene. This alteration has been reported in individuals with Marfan syndrome, and was found to cause out-of-frame exon skipping that leads to reduced RNA expression (Dietz HC et al. Genomics, 1993 Aug;17:468-75). This variant is considered to be rare based on population cohorts in the Genome Aggregation Database (gnomAD). In addition to the clinical data presented in the literature, alterations that disrupt the canonical splice site are expected to cause aberrant splicing, resulting in an abnormal protein or a transcript that is subject to nonsense-mediated mRNA decay. Based on the supporting evidence, this alteration is interpreted as a disease-causing mutation.

Molecular Diagnostic Laboratory for Inherited Cardiovascular Disease, Montreal Heart Institute
Classification: Pathogenic for Cardiovascular phenotype. Last evaluated: 2023-11-17. Review status: criteria provided, single submitter. Criteria: ACMG Guidelines, 2015. Collection method: clinical testing. Allele origin: germline. Affected: yes.
Comment: PVS1, PS4, PS3_mod, PM2, PP1_mod, PP4, PP5

GeneDx
Classification: Pathogenic. Last evaluated: 2023-02-09. Review status: criteria provided, single submitter. Criteria: GeneDx Variant Classification Process June 2021. Collection method: clinical testing. Allele origin: germline. Affected: yes.
Comment: Not observed in large population cohorts (gnomAD); Published functional studies demonstrate a damaging effect as this variant causes skipping of exon 2, which creates a frameshift and introduces a premature termination codon (Dietz et al., 1993; Guo et al., 2001); Canonical splice site variant predicted to result in a null allele in a gene for which loss of function is a known mechanism of disease; This variant is associated with the following publications: (PMID: 34498425, 25525159, 12161601, 11391655, 27647783, 28855619, 22772377, 23506379, 12068374, 31098894, 31825148, 32679894, 8406497, 35058154)

Centre of Medical Genetics, University of Antwerp
Classification: Pathogenic for Marfan syndrome. Last evaluated: 2021-03-01. Review status: criteria provided, single submitter. Criteria: Submitter's publication. Collection method: research. Allele origin: unknown. Affected: yes.
Comment: PM2, PVS1, PP4

CHEO Genetics Diagnostic Laboratory, Children's Hospital of Eastern Ontario
Classification: Pathogenic for Familial thoracic aortic aneurysm and aortic dissection. Last evaluated: 2019-02-26. Review status: criteria provided, single submitter. Criteria: ACMG Guidelines, 2015. Collection method: clinical testing. Allele origin: germline.

Laboratory for Molecular Medicine, Mass General Brigham Personalized Medicine
Classification: Pathogenic for Marfan syndrome. Last evaluated: 2012-03-20. Review status: criteria provided, single submitter. Criteria: LMM Criteria. Collection method: clinical testing. Allele origin: germline. Observed: 1 variant allele.
Comment: The 247+1G>A variant (FBN1) has been reported in 8 individuals with clinical fea tures of Marfan syndrome and showed segregation with clinical features in two fa mily members (Dietz 1993, Halliday 1999, Chikumi 2000, Guo 2001, Schrijver 2002, Turner 2008). This variant was also reported to have occurred de novo in one in dividual (Guo 2001). The 247+1G>A variant occurs in the invariant region (+/- 1 /2) of the splice consensus sequence and functional analyses reveal that this ch ange results in the skipping of exon 2 and the creation of a frameshift. This f rameshift is predicted to alter the protein?s amino acid sequence beginning at p osition 55 and lead to a premature termination codon 45 amino acids downstream ( Dietz 1993, Guo 2001). Heterozygous loss of function of the FBN1 gene is an est ablished disease mechanism in Marfan syndrome. In summary, this variant meets ou r criteria to be classified as pathogenic.

Juno Genomics, Hangzhou Juno Genomics, Inc
Classification: Pathogenic for Marfan syndrome. Review status: criteria provided, single submitter. Criteria: ACMG Guidelines, 2015. Collection method: clinical testing. Allele origin: germline. Affected: yes.
Comment: Absent from controls (or at extremely low frequency if recessive) in Genome Aggregation Database, Exome Sequencing Project, 1000 Genomes Project, or Exome Aggregation Consortium.;Null variant in a gene where loss of function (LOF) is a known mechanism of disease.;The prevalence of the variant in affected individuals is significantly increased compared to the prevalence in controls.;Patient's phenotype or family history is highly specific for a disease with a single genetic etiology.

OMIM
Classification: Pathogenic for MARFAN SYNDROME. Last evaluated: 2000-01-01. Review status: no assertion criteria provided. Collection method: literature only. Allele origin: germline. Not counted in ClinVar's aggregate classification.

Literature cited by the submitters: PubMed 16199547 (cited by Labcorp Genetics (formerly Invitae), Labcorp); PubMed 17657824 (cited by Labcorp Genetics (formerly Invitae), Labcorp); PubMed 19293843 (cited by Labcorp Genetics (formerly Invitae), Labcorp); PubMed 8406497 (cited by 3 submitters); PubMed 10647894 (cited by Labcorp Genetics (formerly Invitae), Labcorp and Laboratory for Molecular Medicine, Mass General Brigham Personalized Medicine); PubMed 10721679 (cited by 3 submitters); PubMed 11391655 (cited by Labcorp Genetics (formerly Invitae), Labcorp and Laboratory for Molecular Medicine, Mass General Brigham Personalized Medicine); PubMed 12068374 (cited by Labcorp Genetics (formerly Invitae), Labcorp and Laboratory for Molecular Medicine, Mass General Brigham Personalized Medicine); PubMed 19161152 (cited by Labcorp Genetics (formerly Invitae), Labcorp and Laboratory for Molecular Medicine, Mass General Brigham Personalized Medicine); PubMed 22772377 (cited by Labcorp Genetics (formerly Invitae), Labcorp); PubMed 12938084 (cited by Laboratory for Molecular Medicine, Mass General Brigham Personalized Medicine); PubMed 1569206 (cited by OMIM).

NM_000138.5(FBN1):c.247+1G>A

Gene: FBN1 (fibrillin 1; minus strand). Cytogenetic location: 15q21.1.
Variant type: single nucleotide variant.
Coding change: c.247+1G>A on transcript NM_000138.5 (MANE Select); the canonical splice donor site of the intron after coding-DNA position 247, G replaced by A.
Molecular consequence: splice donor variant.
Genome position (GRCh38, 1-based): chr15:48,613,009, C>T on the plus strand (G>A on the coding strand, the complement: FBN1 is on the minus strand). VCF-style: chr15-48613009-C-T. GRCh37 (hg19) VCF-style: chr15-48905206-C-T.
Other names: IVS2DS, G-A, +1; c.247+1G>A (NM_001406716.1, NM_001406717.1).
Identifiers: ClinVar variation 42307 (VCV000042307.39), dbSNP rs25404, ClinGen allele CA013099.